The following is an entry in ClinVar:

NM_003098.3(SNTA1):c.173A>G (p.Glu58Gly)

Gene: SNTA1 (syntrophin alpha 1; minus strand). Cytogenetic location: 20q11.21.
Variant type: single nucleotide variant.
Coding change: c.173A>G on transcript NM_003098.3 (MANE Select); coding-DNA position 173, A replaced by G.
Protein change: p.Glu58Gly; replaces glutamic acid 58 with glycine.
Molecular consequence: missense variant.
Genome position (GRCh38, 1-based): chr20:33,443,448, T>C on the plus strand (A>G on the coding strand, the complement: SNTA1 is on the minus strand). VCF-style: chr20-33443448-T-C. GRCh37 (hg19) VCF-style: chr20-32031254-T-C.
Other names: short protein forms E58G.
Identifiers: ClinVar variation 516865 (VCV000516865.17), dbSNP rs555231776, ClinGen allele CA9817269.

ClinVar aggregate classification (germline): Likely benign. Review status: criteria provided, multiple submitters, no conflicts (2 of 4 stars). 6 submissions from 6 submitters: Likely benign (4). 2 of the submissions do not count toward it. Last evaluated 2026-03-20.

Conditions:
Cardiovascular phenotype. Identifiers: MedGen CN230736.
Long QT syndrome (LQTS). Identifiers: MedGen C0023976, MeSH D008133, MONDO:0002442. Disease mechanism: loss of function. Inheritance: Various modes of inheritance.

Allele frequency attached by ClinVar (database versions not stated): gnomAD 0.00001 and 0.00024; TOPMed 0.00006; gnomAD exomes 0.00018 and 0.00098; 1000 Genomes Project 0.00120; 1000 Genomes Project 30x 0.00125; ExAC 0.00581.
gnomAD v4.1: 258 of 1,360,516 alleles (0.019%); highest among the groups gnomAD compares: South Asian, 0.4%; 1 homozygote.

Submissions (6):

Women's Health and Genetics/Laboratory Corporation of America, LabCorp
Classification: Likely benign. Last evaluated: 2026-03-20. Review status: criteria provided, single submitter. Criteria: LabCorp Variant Classification Summary - May 2015. Collection method: clinical testing. Allele origin: germline.

Labcorp Genetics (formerly Invitae), Labcorp
Classification: Likely benign for Long QT syndrome. Last evaluated: 2026-01-18. Review status: criteria provided, single submitter. Criteria: Invitae Variant Classification Sherloc (09022015). Collection method: clinical testing. Allele origin: germline.

Ambry Genetics
Classification: Likely benign for Cardiovascular phenotype. Last evaluated: 2018-11-30. Review status: criteria provided, single submitter. Criteria: Ambry Variant Classification Scheme 2023. Collection method: clinical testing. Allele origin: germline.

GeneDx
Classification: Likely benign. Last evaluated: 2018-02-05. Review status: criteria provided, single submitter. Criteria: GeneDx Variant Classification (06012015). Collection method: clinical testing. Allele origin: germline. Affected: yes.
Comment: This variant is considered likely benign or benign based on one or more of the following criteria: it is a conservative change, it occurs at a poorly conserved position in the protein, it is predicted to be benign by multiple in silico algorithms, and/or has population frequency not consistent with disease.

Clinical Genetics, Academic Medical Center
Classification: Likely benign. Review status: no assertion criteria provided. Collection method: clinical testing. Allele origin: germline. Affected: yes. Study: VKGL Data-share Consensus. Not counted in ClinVar's aggregate classification.

Joint Genome Diagnostic Labs from Nijmegen and Maastricht, Radboudumc and MUMC+
Classification: Likely benign. Review status: no assertion criteria provided. Collection method: clinical testing. Allele origin: germline. Affected: yes. Study: VKGL Data-share Consensus. Not counted in ClinVar's aggregate classification.